The following is an entry in ClinVar:

ClinVar aggregate classification (germline): Uncertain significance (1 of 4 stars; one submission).

Conditions:
Developmental and epileptic encephalopathy, 11 (DEE11). Also called: Early infantile epileptic encephalopathy 11. Identifiers: Orphanet 1934, MedGen C3150987, MONDO:0013388, OMIM 613721.
Seizures, benign familial infantile, 3 (BFIS3). Also called: Familial neonatal seizures; CONVULSIONS, BENIGN FAMILIAL INFANTILE, 3. Identifiers: Orphanet 140927, Orphanet 306, MedGen C1843140, MONDO:0011904, OMIM 607745.

Submission:

Labcorp Genetics (formerly Invitae), Labcorp
Classification: Uncertain significance for Seizures, benign familial infantile, 3; Developmental and epileptic encephalopathy, 11. Last evaluated: 2022-07-25. Review status: criteria provided, single submitter. Criteria: Invitae Variant Classification Sherloc (09022015). Collection method: clinical testing. Allele origin: germline.
Comment: This sequence change replaces glycine, which is neutral and non-polar, with arginine, which is basic and polar, at codon 1744 of the SCN2A protein (p.Gly1744Arg). Algorithms developed to predict the effect of missense changes on protein structure and function (SIFT, PolyPhen-2, Align-GVGD) all suggest that this variant is likely to be disruptive. In summary, the available evidence is currently insufficient to determine the role of this variant in disease. Therefore, it has been classified as a Variant of Uncertain Significance. This variant is not present in population databases (gnomAD no frequency). This missense change has been observed in individual(s) with autosomal dominant autism spectrum disorder (PMID: 26637798, 30564305). ClinVar contains an entry for this variant (Variation ID: 933337).

Literature cited by the submitters: PubMed 26637798; PubMed 30564305.

NM_001040142.2(SCN2A):c.5230G>A (p.Gly1744Arg)

Gene: SCN2A (sodium voltage-gated channel alpha subunit 2; plus strand). Cytogenetic location: 2q24.3.
Variant type: single nucleotide variant.
Coding change: c.5230G>A on transcript NM_001040142.2 (MANE Select); coding-DNA position 5230, G replaced by A.
Protein change: p.Gly1744Arg; replaces glycine 1744 with arginine.
Molecular consequence: missense variant.
Genome position (GRCh38, 1-based): chr2:165,389,036, G>A. VCF-style: chr2-165389036-G-A. GRCh37 (hg19) VCF-style: chr2-166245546-G-A.
Other names: c.5230G>A, p.Gly1744Arg (NM_001040143.2, NM_001371246.1, NM_001371247.1 and 1 more transcripts); short protein forms G1744R.
Identifiers: ClinVar variation 933337 (VCV000933337.10), dbSNP rs1553463570, ClinGen allele CA349038498.
Genomic context (GRCh38, chr2:165,389,036, plus strand): 5'-CTTAATAGTGGACCTCCAGACTGTGACCCTGACAAAGATCACCCTGGAAGCTCAGTTAAA[G>A]GAGACTGTGGGAACCCATCTGTTGGGATTTTCTTTTTTGTCAGTTACATCATCATATCCT-3'
Protein context (NP_001035232.1, residues 1734-1754): DKDHPGSSVK[Gly1744Arg]DCGNPSVGIF